The following is an entry in ClinVar:

ClinVar aggregate classification (germline): Uncertain significance (1 of 4 stars; one submission).

gnomAD v4.1: 2 of 1,613,792 alleles (0.00012%); highest among the groups gnomAD compares: Non-Finnish European, 0.000085%; no homozygotes.

Submission:

Labcorp Genetics (formerly Invitae), Labcorp
Classification: Uncertain significance. Last evaluated: 2024-12-16. Review status: criteria provided, single submitter. Criteria: Invitae Variant Classification Sherloc (09022015). Collection method: clinical testing. Allele origin: germline.
Comment: This sequence change replaces valine, which is neutral and non-polar, with aspartic acid, which is acidic and polar, at codon 3117 of the MYO15A protein (p.Val3117Asp). This variant is not present in population databases (gnomAD no frequency). This variant has not been reported in the literature in individuals affected with MYO15A-related conditions. Invitae Evidence Modeling of protein sequence and biophysical properties (such as structural, functional, and spatial information, amino acid conservation, physicochemical variation, residue mobility, and thermodynamic stability) has been performed for this missense variant. However, the output from this modeling did not meet the statistical confidence thresholds required to predict the impact of this variant on MYO15A protein function. In summary, the available evidence is currently insufficient to determine the role of this variant in disease. Therefore, it has been classified as a Variant of Uncertain Significance.

NM_016239.4(MYO15A):c.9350T>A (p.Val3117Asp)

Gene: MYO15A (myosin XVA; plus strand). Cytogenetic location: 17p11.2.
Variant type: single nucleotide variant.
Coding change: c.9350T>A on transcript NM_016239.4 (MANE Select); coding-DNA position 9350, T replaced by A.
Protein change: p.Val3117Asp; replaces valine 3117 with aspartic acid.
Molecular consequence: missense variant.
Genome position (GRCh38, 1-based): chr17:18,159,981, T>A. VCF-style: chr17-18159981-T-A. GRCh37 (hg19) VCF-style: chr17-18063295-T-A.
Other names: short protein forms V3117D.
Identifiers: ClinVar variation 3692180 (VCV003692180.2).
Genomic context (GRCh38, chr17:18,159,981, plus strand): 5'-CTGCCCCCCTTCAGCTGTGCGGGGACCATGAGGTCATGCGGGATGAATGTTACTGCCAAG[T>A]TGTGAAGCAGATCACAGACAATACCAGCTCCAAGCAGTGAGTGAACTGGACTTTACCCCA-3'
Protein context (NP_057323.3, residues 3107-3127): EVMRDECYCQ[Val3117Asp]VKQITDNTSS